The following is an entry in ClinVar:

NM_001283009.2(RTEL1):c.911C>G (p.Pro304Arg)

Genes: RTEL1 (regulator of telomere elongation helicase 1; plus strand), RTEL1-TNFRSF6B (RTEL1-TNFRSF6B readthrough (NMD candidate); plus strand). Cytogenetic location: 20q13.33.
Variant type: single nucleotide variant.
Coding change: c.911C>G on transcript NM_001283009.2 (MANE Select); coding-DNA position 911, C replaced by G.
Protein change: p.Pro304Arg; replaces proline 304 with arginine.
Molecular consequence: missense variant. On other transcripts: non-coding transcript variant (1).
Genome position (GRCh38, 1-based): chr20:63,674,085, C>G. VCF-style: chr20-63674085-C-G. GRCh37 (hg19) VCF-style: chr20-62305438-C-G.
Other names: c.242C>G, p.Pro81Arg (NM_001283010.1); c.911C>G, p.Pro304Arg (NM_016434.4); c.983C>G, p.Pro328Arg (NM_032957.5); short protein forms P304R, P328R, P81R.
Identifiers: ClinVar variation 4863600 (VCV004863600.1).
Genomic context (GRCh38, chr20:63,674,085, plus strand): 5'-AGGAGCAGACCAAGGCAGCGCAGCAGGGTGAGCCCCACCCGGAGTTCAGCGCGGACTCCC[C>G]CAGCCCAGGTGCGTTCATAGCCAGACTGCTTGGTCCTGAGGCCTGCGCTGCTGCAGGGTG-3'
Protein context (NP_001269938.1, residues 294-314): EPHPEFSADS[Pro304Arg]SPGLNMELED

ClinVar aggregate classification (germline): Uncertain significance (1 of 4 stars; one submission).

Conditions:
Inborn genetic diseases. Identifiers: MedGen C0950123, MeSH D030342.

gnomAD v4.1: 1 of 1,610,412 alleles (0.000062%); highest among the groups gnomAD compares: South Asian, 0.0011%; no homozygotes.

Submission:

Ambry Genetics
Classification: Uncertain significance for Inborn genetic diseases. Last evaluated: 2026-05-24. Review status: criteria provided, single submitter. Criteria: Ambry Variant Classification Scheme 2023. Collection method: clinical testing. Allele origin: germline.
Comment: The p.P304R variant (also known as c.911C>G), located in coding exon 9 of the RTEL1 gene, results from a C to G substitution at nucleotide position 911. The proline at codon 304 is replaced by arginine, an amino acid with dissimilar properties. This amino acid position is conserved. In addition, this alteration is predicted to be tolerated by in silico analysis. Based on the available evidence, the clinical significance of this variant remains unclear.